The following is an entry in ClinVar:

ClinVar aggregate classification (germline): Uncertain significance (1 of 4 stars; one submission).

Conditions:
LEPR-related disorder. Also called: LEPR-related disorders; LEPR-related condition.

gnomAD v4.1: 12 of 1,614,192 alleles (0.00074%); highest among the groups gnomAD compares: Non-Finnish European, 0.00093%; no homozygotes.

Submission:

PreventionGenetics, part of Exact Sciences
Classification: Uncertain significance for LEPR-related condition. Last evaluated: 2025-09-30. Review status: criteria provided, single submitter. Criteria: ACMG Guidelines, 2015. Collection method: clinical testing. Allele origin: germline.
Comment: The LEPR c.1878C>A variant is predicted to result in the amino acid substitution p.Ser626Arg. The p.Ser626Arg variant has been reported to have activity similar to wild type (Supplemental Table 2, Shah et al. 2023. PubMed ID: 36864747; Figure S1, Delplanque et al. 2024. PubMed ID: 39561769). To our knowledge, this variant has not been reported in a large population database (gnomAD), indicating this variant is rare. At this time, the clinical significance of this variant is uncertain due to the absence of conclusive functional and genetic evidence.

NM_002303.6(LEPR):c.1878C>A (p.Ser626Arg)

Gene: LEPR (leptin receptor; plus strand). Cytogenetic location: 1p31.3.
Variant type: single nucleotide variant.
Coding change: c.1878C>A on transcript NM_002303.6 (MANE Select); coding-DNA position 1878, C replaced by A.
Protein change: p.Ser626Arg; replaces serine 626 with arginine.
Molecular consequence: missense variant.
Genome position (GRCh38, 1-based): chr1:65,610,072, C>A. VCF-style: chr1-65610072-C-A. GRCh37 (hg19) VCF-style: chr1-66075755-C-A.
Other names: c.1878C>A, p.Ser626Arg (NM_001003679.3, NM_001003680.3, NM_001198687.2 and 2 more transcripts); short protein forms S626R.
Identifiers: ClinVar variation 4986636 (VCV004986636.1).